The following is an entry in ClinVar:

ClinVar aggregate classification (germline): Likely benign. Review status: criteria provided, multiple submitters, no conflicts (2 of 4 stars). 4 submissions from 4 submitters: Likely benign (4). Last evaluated 2026-07-01.

Conditions:
Inborn genetic diseases. Identifiers: MedGen C0950123, MeSH D030342.
Malignant hyperthermia, susceptibility to, 1 (MHS1). Also called: Anesthesia related hyperthermia; Malignant hyperpyrexia; Fulminating hyperpyrexia; Pharmacogenic myopathy; Malignant hyperthermia suceptibility 1; RYR1-Related Malignant Hyperthermia Susceptibility. Identifiers: Orphanet 423, MedGen C2930980, MONDO:0007783, OMIM 145600.
RYR1-related disorder. Also called: RYR1-related condition; RYR1-related disorders. Identifiers: MedGen CN239331.

Allele frequency attached by ClinVar (database versions not stated): ExAC 0.00001; gnomAD 0.00001 and 0.00002; gnomAD exomes 0.00001; TOPMed 0.00001; ESP Exome Variant Server 0.00008.
gnomAD v4.1: 13 of 1,613,642 alleles (0.00081%); highest among the groups gnomAD compares: Admixed American, 0.0017%; no homozygotes.

Submissions (4):

Ambry Genetics
Classification: Likely benign for Inborn genetic diseases. Last evaluated: 2026-07-01. Review status: criteria provided, single submitter. Criteria: Ambry Variant Classification Scheme 2023. Collection method: clinical testing. Allele origin: germline.

Labcorp Genetics (formerly Invitae), Labcorp
Classification: Likely benign for RYR1-related disorder. Last evaluated: 2024-11-13. Review status: criteria provided, single submitter. Criteria: Invitae Variant Classification Sherloc (09022015). Collection method: clinical testing. Allele origin: germline.

All of Us Research Program, National Institutes of Health
Classification: Likely benign for Malignant hyperthermia, susceptibility to, 1. Last evaluated: 2023-12-13. Review status: criteria provided, single submitter. Criteria: ACMG Guidelines, 2015. Collection method: clinical testing. Allele origin: germline. Inheritance: Autosomal dominant inheritance. Observed: 2 variant alleles, 2 heterozygotes.
Comment: This study involves interpretation of variants in research participants for the purpose of population health screening. Participant phenotype was not available at the time of variant classification. Additional details can be found in publication PMID: 35346344, PMCID: PMC8962531

Color Diagnostics, LLC DBA Color Health
Classification: Likely benign for Malignant hyperthermia, susceptibility to, 1. Last evaluated: 2022-11-06. Review status: criteria provided, single submitter. Criteria: ACMG Guidelines, 2015. Collection method: clinical testing. Allele origin: germline.

NM_000540.3(RYR1):c.1746C>T (p.Ile582=)

Gene: RYR1 (ryanodine receptor 1; plus strand). Cytogenetic location: 19q13.2.
Variant type: single nucleotide variant.
Coding change: c.1746C>T on transcript NM_000540.3 (MANE Select); coding-DNA position 1746, C replaced by T.
Protein change: p.Ile582=; no amino-acid change (isoleucine 582 retained).
Molecular consequence: synonymous variant.
Genome position (GRCh38, 1-based): chr19:38,455,706, C>T. VCF-style: chr19-38455706-C-T. GRCh37 (hg19) VCF-style: chr19-38946346-C-T.
Other names: c.1746C>T, p.Ile582= (NM_001042723.2).
Identifiers: ClinVar variation 478207 (VCV000478207.13), dbSNP rs377489549, ClinGen allele CA062377.